The following is an entry in ClinVar:

NM_015909.4(NBAS):c.886G>A (p.Val296Ile)

Gene: NBAS (NBAS subunit of NRZ tethering complex; minus strand). Cytogenetic location: 2p24.3.
Variant type: single nucleotide variant.
Coding change: c.886G>A on transcript NM_015909.4 (MANE Select); coding-DNA position 886, G replaced by A.
Protein change: p.Val296Ile; replaces valine 296 with isoleucine.
Molecular consequence: missense variant. On other transcripts: non-coding transcript variant (1).
Genome position (GRCh38, 1-based): chr2:15,504,213, C>T on the plus strand (G>A on the coding strand, the complement: NBAS is on the minus strand). VCF-style: chr2-15504213-C-T. GRCh37 (hg19) VCF-style: chr2-15644337-C-T.
Other names: c.886G>A (NM_015909.2); short protein forms V296I.
Identifiers: ClinVar variation 1487021 (VCV001487021.4), dbSNP rs757043102, ClinGen allele CA1536870.
Genomic context (GRCh38, chr2:15,504,213, plus strand): 5'-GTCCCTGGCGACTGTAAAACTTGACACTTAACATCCTTAATAATCCCAGTGTCTTCGGTA[C>T]CTGCAAAATAAATGCATCATATGAAGAAAGATTACTGAAATGACTTATCGTTGTAAAATG-3'
Protein context (NP_056993.2, residues 286-306): VTNGGDGVTA[Val296Ile]PKTLGLLRML

ClinVar aggregate classification (germline): Uncertain significance. Review status: criteria provided, multiple submitters, no conflicts (2 of 4 stars). 2 submissions from 2 submitters: Uncertain significance (2). Last evaluated 2025-05-05.

Conditions:
Inborn genetic diseases. Identifiers: MedGen C0950123, MeSH D030342.

Allele frequency attached by ClinVar (database versions not stated): ExAC 0.00002; gnomAD 0.00003.
gnomAD v4.1: 5 of 1,608,958 alleles (0.00031%); highest among the groups gnomAD compares: African/African-American, 0.0067%; no homozygotes.

Submissions (2):

Ambry Genetics
Classification: Uncertain significance for Inborn genetic diseases. Last evaluated: 2025-05-05. Review status: criteria provided, single submitter. Criteria: Ambry Variant Classification Scheme 2023. Collection method: clinical testing. Allele origin: germline.

Labcorp Genetics (formerly Invitae), Labcorp
Classification: Uncertain significance. Last evaluated: 2022-08-19. Review status: criteria provided, single submitter. Criteria: Invitae Variant Classification Sherloc (09022015). Collection method: clinical testing. Allele origin: germline.
Comment: This sequence change replaces valine, which is neutral and non-polar, with isoleucine, which is neutral and non-polar, at codon 296 of the NBAS protein (p.Val296Ile). This variant is present in population databases (rs757043102, gnomAD 0.01%). This variant has not been reported in the literature in individuals affected with NBAS-related conditions. ClinVar contains an entry for this variant (Variation ID: 1487021). Algorithms developed to predict the effect of missense changes on protein structure and function (SIFT, PolyPhen-2, Align-GVGD) all suggest that this variant is likely to be tolerated. In summary, the available evidence is currently insufficient to determine the role of this variant in disease. Therefore, it has been classified as a Variant of Uncertain Significance.